The following is an entry in ClinVar:

ClinVar aggregate classification (germline): Uncertain significance (1 of 4 stars; one submission).

Conditions:
Cardiovascular phenotype. Identifiers: MedGen CN230736.

Submission:

Ambry Genetics
Classification: Uncertain significance for Cardiovascular phenotype. Last evaluated: 2020-07-21. Review status: criteria provided, single submitter. Criteria: Ambry Variant Classification Scheme 2023. Collection method: clinical testing. Allele origin: germline.
Comment: The c.13390_13392dupGAA variant (also known as p.E4464dup), located in coding exon 47 of the TTN gene, results from an in-frame duplication of GAA at nucleotide positions 13390 to 13392. This results in the duplication of an extra residue between codons 4464 and 4465. This amino acid position is highly conserved in available vertebrate species. In addition, the in silico prediction for this alteration is inconclusive (Choi Y et al. PLoS ONE. 2012; 7(10):e46688). Since supporting evidence is limited at this time, the clinical significance of this alteration remains unclear.

NM_001267550.2(TTN):c.40576GAA[5] (p.Glu13529_Pro13530insGlu)

Gene: TTN (titin; minus strand). Cytogenetic location: 2q31.2.
Variant type: Microsatellite.
Coding change: c.40576GAA[5] on transcript NM_001267550.2 (MANE Select); five copies in a row of the 3-base unit GAA starting at c.40576; the reference has four copies in a row; one copy, 3 bases duplicated.
Protein change: p.Glu13529_Pro13530insGlu.
Molecular consequence: inframe insertion.
Genome position (GRCh38, 1-based): chr2:178,641,287-178,641,289, TTC duplicated on the plus strand (GAA on the coding strand, the reverse complement: TTN is on the minus strand); duplicating any 3 consecutive bases within chr2:178,641,287-178,641,298 gives the same sequence; the position shown is the placement nearest the transcript's 3' end. VCF-style (leftmost placement, unchanged base first): chr2-178641286-G-GTTC. GRCh37 (hg19) VCF-style: chr2-179506013-G-GTTC.
Other names: c.35653GAA[5], p.Glu11888_Pro11889insGlu (NM_001256850.1); c.13381GAA[5], p.Glu4464_Pro4465insGlu (NM_003319.4); c.32872GAA[5], p.Glu10961_Pro10962insGlu (NM_133378.4); c.13756GAA[5], p.Glu4589_Pro4590insGlu (NM_133432.3); c.13957GAA[5], p.Glu4656_Pro4657insGlu (NM_133437.4); c.13390_13392dupGAA (NM_003319.4).
Identifiers: ClinVar variation 1770297 (VCV001770297.2), dbSNP rs727504199, ClinGen allele CA2537056620.